The following is an entry in ClinVar:

NM_000138.5(FBN1):c.3997T>C (p.Cys1333Arg)

Gene: FBN1 (fibrillin 1; minus strand). Cytogenetic location: 15q21.1.
Variant type: single nucleotide variant.
Coding change: c.3997T>C on transcript NM_000138.5 (MANE Select); coding-DNA position 3997, T replaced by C.
Protein change: p.Cys1333Arg; replaces cysteine 1333 with arginine.
Molecular consequence: missense variant.
Genome position (GRCh38, 1-based): chr15:48,474,618, A>G on the plus strand (T>C on the coding strand, the complement: FBN1 is on the minus strand). VCF-style: chr15-48474618-A-G. GRCh37 (hg19) VCF-style: chr15-48766815-A-G.
Other names: c.3997T>C, p.Cys1333Arg (NM_001406716.1); short protein forms C1333R.
Identifiers: ClinVar variation 3754076 (VCV003754076.2).
Genomic context (GRCh38, chr15:48,474,618, plus strand): 5'-CGGGACTGCAGCTACATTTGAAGCTTCCTGCTGTATTGGTACATACAGCATGTTTGCCAC[A>G]GTTGTGTGCTCCAATTTCACATTCATTGATGTCTGGAAAAATGAGCAGTGATTTAGAAAA-3'
Protein context (NP_000129.3, residues 1323-1343): INECEIGAHN[Cys1333Arg]GKHAVCTNTA

ClinVar aggregate classification (germline): Pathogenic (1 of 4 stars; one submission).

Conditions:
Marfan syndrome (MFS). Also called: MARFAN SYNDROME, TYPE I; Marfan syndrome type 1; Marfan's syndrome; Marfan syndrome, classic; FBN1-Related Marfan Syndrome. Identifiers: Orphanet 284963, Orphanet 558, MedGen C0024796, MONDO:0007947, OMIM 154700.
Familial thoracic aortic aneurysm and aortic dissection (TAAD). Also called: Thoracic aortic aneurysms and dissections. Identifiers: Orphanet 91387, MedGen C4707243, MONDO:0019625.

Submission:

Labcorp Genetics (formerly Invitae), Labcorp
Classification: Pathogenic for Marfan syndrome; Familial thoracic aortic aneurysm and aortic dissection. Last evaluated: 2024-12-27. Review status: criteria provided, single submitter. Criteria: Invitae Variant Classification Sherloc (09022015). Collection method: clinical testing. Allele origin: germline.
Comment: This sequence change replaces cysteine, which is neutral and slightly polar, with arginine, which is basic and polar, at codon 1333 of the FBN1 protein (p.Cys1333Arg). This variant is not present in population databases (gnomAD no frequency). This missense change has been observed in individuals with clinical features of FBN1-related conditions (PMID: 34550612; internal data). Invitae Evidence Modeling of protein sequence and biophysical properties (such as structural, functional, and spatial information, amino acid conservation, physicochemical variation, residue mobility, and thermodynamic stability) indicates that this missense variant is expected to disrupt FBN1 protein function with a positive predictive value of 95%. This variant affects a cysteine residue in the EGF-like, TGFBP or hybrid motif domains of FBN1. Cysteine residues are believed to be involved in intramolecular disulfide bridges and have been shown to be important for FBN1 protein structure (PMID: 16905551, 19349279). In addition, missense substitutions affecting cysteine residues within these domains are significantly overrepresented among patients with Marfan syndrome (PMID: 16571647, 17701892). For these reasons, this variant has been classified as Pathogenic.

Literature cited by the submitters: PubMed 34550612; PubMed 16905551; PubMed 19349279; PubMed 16571647; PubMed 17701892.